The following is an entry in ClinVar:

ClinVar aggregate classification (germline): Benign. Review status: criteria provided, multiple submitters, no conflicts (2 of 4 stars). 3 submissions from 3 submitters: Benign (2). 1 of the submissions does not count toward it. Last evaluated 2021-04-08.

Conditions:
DGKD-related disorder. Also called: DGKD-related condition.

Allele frequency attached by ClinVar (database versions not stated): gnomAD exomes 0.09612 and 0.09687; ExAC 0.09889; TOPMed 0.11200; gnomAD 0.11230 and 0.11312; 1000 Genomes Project 0.11621; ESP Exome Variant Server 0.11648; 1000 Genomes Project 30x 0.11649.
gnomAD v4.1: 157,905 of 1,613,784 alleles (9.8%); highest among the groups gnomAD compares: African/African-American, 16%; 8,160 homozygotes.

Submissions (3):

GeneDx
Classification: Benign. Last evaluated: 2021-04-08. Review status: criteria provided, single submitter. Criteria: GeneDx Variant Classification Process June 2021. Collection method: clinical testing. Allele origin: germline. Affected: yes.

Breakthrough Genomics
Classification: Benign. Review status: criteria provided, single submitter. Criteria: ACMG Guidelines, 2015. Collection method: not provided. Allele origin: germline. Inheritance: Unknown mechanism. Affected: yes.

PreventionGenetics, part of Exact Sciences
Classification: Benign for DGKD-related condition. Last evaluated: 2019-11-19. Review status: no assertion criteria provided. Collection method: clinical testing. Allele origin: germline. Not counted in ClinVar's aggregate classification.
Comment: This variant is classified as benign based on ACMG/AMP sequence variant interpretation guidelines (Richards et al. 2015 PMID: 25741868, with internal and published modifications).

NM_152879.3(DGKD):c.3156G>A (p.Thr1052=)

Gene: DGKD (diacylglycerol kinase delta; plus strand). Cytogenetic location: 2q37.1.
Variant type: single nucleotide variant.
Coding change: c.3156G>A on transcript NM_152879.3 (MANE Select); coding-DNA position 3156, G replaced by A.
Protein change: p.Thr1052=; no amino-acid change (threonine 1052 retained).
Molecular consequence: synonymous variant.
Genome position (GRCh38, 1-based): chr2:233,462,705, G>A. VCF-style: chr2-233462705-G-A. GRCh37 (hg19) VCF-style: chr2-234371351-G-A.
Other names: c.2757G>A, p.Thr919= (NM_001377259.1); c.3024G>A, p.Thr1008= (NM_003648.3).
Identifiers: ClinVar variation 1229606 (VCV001229606.6), dbSNP rs2228939, ClinGen allele CA2175945.